The following is an entry in ClinVar:

ClinVar aggregate classification (germline): Uncertain significance (1 of 4 stars; one submission).

Allele frequency attached by ClinVar (database versions not stated): TOPMed below 0.00001.

Submission:

Labcorp Genetics (formerly Invitae), Labcorp
Classification: Uncertain significance. Last evaluated: 2021-08-04. Review status: criteria provided, single submitter. Criteria: Invitae Variant Classification Sherloc (09022015). Collection method: clinical testing. Allele origin: germline.
Comment: This sequence change replaces valine with isoleucine at codon 177 of the ASAH1 protein (p.Val177Ile). The valine residue is moderately conserved and there is a small physicochemical difference between valine and isoleucine. This variant is not present in population databases (ExAC no frequency). This variant has not been reported in the literature in individuals affected with ASAH1-related conditions. Algorithms developed to predict the effect of missense changes on protein structure and function (SIFT, PolyPhen-2, Align-GVGD) all suggest that this variant is likely to be tolerated. In summary, the available evidence is currently insufficient to determine the role of this variant in disease. Therefore, it has been classified as a Variant of Uncertain Significance.

NM_177924.5(ASAH1):c.529G>A (p.Val177Ile)

Gene: ASAH1 (N-acylsphingosine amidohydrolase 1; minus strand). Cytogenetic location: 8p22.
Variant type: single nucleotide variant.
Coding change: c.529G>A on transcript NM_177924.5 (MANE Select); coding-DNA position 529, G replaced by A.
Protein change: p.Val177Ile; replaces valine 177 with isoleucine.
Molecular consequence: missense variant.
Genome position (GRCh38, 1-based): chr8:18,062,398, C>T on the plus strand (G>A on the coding strand, the complement: ASAH1 is on the minus strand). VCF-style: chr8-18062398-C-T. GRCh37 (hg19) VCF-style: chr8-17919907-C-T.
Other names: c.511G>A, p.Val171Ile (NM_001127505.3); c.334G>A, p.Val112Ile (NM_001363743.2); c.577G>A, p.Val193Ile (NM_004315.6); short protein forms V171I, V193I, V112I, V177I.
Identifiers: ClinVar variation 1495795 (VCV001495795.6), dbSNP rs1799743867, ClinGen allele CA370430230.